The following is an entry in ClinVar:

NM_005629.4(SLC6A8):c.420C>G (p.Ile140Met)

Gene: SLC6A8 (solute carrier family 6 member 8; plus strand). Cytogenetic location: Xq28.
Variant type: single nucleotide variant.
Coding change: c.420C>G on transcript NM_005629.4 (MANE Select); coding-DNA position 420, C replaced by G.
Protein change: p.Ile140Met; replaces isoleucine 140 with methionine.
Molecular consequence: missense variant.
Genome position (GRCh38, 1-based): chrX:153,691,329, C>G. VCF-style: chrX-153691329-C-G. GRCh37 (hg19) VCF-style: chrX-152956784-C-G.
Other names: c.420C>G, p.Ile140Met (NM_001142805.2); c.75C>G, p.Ile25Met (NM_001142806.1); short protein forms I140M, I25M.
Identifiers: ClinVar variation 2156337 (VCV002156337.4), dbSNP rs2091455049, ClinGen allele CA415078406.
Genomic context (GRCh38, chrX:153,691,329, plus strand): 5'-GAAGAATCTACATGGCAAGGACTTCCCGGCCCCAGGCCTGGGCTACGCCTCCATGGTGAT[C>G]GTCTTCTACTGCAACACCTACTACATCATGGTGCTGGCCTGGGGCTTCTATTACCTGGTC-3'
Protein context (NP_005620.1, residues 130-150): FKGLGYASMV[Ile140Met]VFYCNTYYIM

ClinVar aggregate classification (germline): Uncertain significance (1 of 4 stars; one submission).

Conditions:
Creatine transporter deficiency (CCDS1). Also called: CEREBRAL CREATINE DEFICIENCY SYNDROME 1; Mental retardation , X-linked with seizures, short stature and midface hypoplasia; Mental retardation , X-linked, with creatine transport deficiency; X-linked creatine transporter deficiency; X-linked creatine deficiency syndrome; SLC6A8-Related Creatine Transporter Deficiency. Identifiers: Orphanet 52503, MedGen C1845862, MONDO:0010305, OMIM 300352.

Submission:

Labcorp Genetics (formerly Invitae), Labcorp
Classification: Uncertain significance for Creatine transporter deficiency. Last evaluated: 2023-01-24. Review status: criteria provided, single submitter. Criteria: Invitae Variant Classification Sherloc (09022015). Collection method: clinical testing. Allele origin: germline.
Comment: In summary, the available evidence is currently insufficient to determine the role of this variant in disease. Therefore, it has been classified as a Variant of Uncertain Significance. Advanced modeling of protein sequence and biophysical properties (such as structural, functional, and spatial information, amino acid conservation, physicochemical variation, residue mobility, and thermodynamic stability) performed at Invitae indicates that this missense variant is not expected to disrupt SLC6A8 protein function. This variant has not been reported in the literature in individuals affected with SLC6A8-related conditions. This variant is not present in population databases (gnomAD no frequency). This sequence change replaces isoleucine, which is neutral and non-polar, with methionine, which is neutral and non-polar, at codon 140 of the SLC6A8 protein (p.Ile140Met).